The following is an entry in ClinVar:

ClinVar aggregate classification (germline): Benign/Likely benign. Review status: criteria provided, multiple submitters, no conflicts (2 of 4 stars). 2 submissions from 2 submitters: Benign (1); Likely benign (1). Last evaluated 2024-07-17.

Conditions:
Ichthyosis bullosa of Siemens (IBS). Also called: Superficial epidermolytic ichthyosis. Identifiers: Orphanet 455, MedGen C0432306, MONDO:0007813, OMIM 146800.

Allele frequency attached by ClinVar (database versions not stated): ESP Exome Variant Server 0.00008; ExAC 0.00013; gnomAD 0.00013; TOPMed 0.00017.

Submissions (2):

Labcorp Genetics (formerly Invitae), Labcorp
Classification: Likely benign. Last evaluated: 2024-07-17. Review status: criteria provided, single submitter. Criteria: Invitae Variant Classification Sherloc (09022015). Collection method: clinical testing. Allele origin: germline.

Illumina Laboratory Services, Illumina
Classification: Benign for Ichthyosis bullosa of Siemens. Last evaluated: 2018-01-12. Review status: criteria provided, single submitter. Criteria: ICSL Variant Classification Criteria 13 December 2019. Collection method: clinical testing. Allele origin: germline.
Comment: This variant was observed in the ICSL laboratory as part of a predisposition screen in an ostensibly healthy population. It had not been previously curated by ICSL or reported in the Human Gene Mutation Database (HGMD: prior to June 1st, 2018), and was therefore a candidate for classification through an automated scoring system. Utilizing variant allele frequency, disease prevalence and penetrance estimates, and inheritance mode, an automated score was calculated to assess if this variant is too frequent to cause the disease. Based on the score and internal cut-off values, a variant classified as benign is not then subjected to further curation. The score for this variant resulted in a classification of benign for this disease.

NM_000423.3(KRT2):c.133C>T (p.Arg45Cys)

Gene: KRT2 (keratin 2; minus strand). Cytogenetic location: 12q13.13.
Variant type: single nucleotide variant.
Coding change: c.133C>T on transcript NM_000423.3 (MANE Select); coding-DNA position 133, C replaced by T.
Protein change: p.Arg45Cys; replaces arginine 45 with cysteine.
Molecular consequence: missense variant.
Genome position (GRCh38, 1-based): chr12:52,652,010, G>A on the plus strand (C>T on the coding strand, the complement: KRT2 is on the minus strand). VCF-style: chr12-52652010-G-A. GRCh37 (hg19) VCF-style: chr12-53045794-G-A.
Other names: short protein forms R45C.
Identifiers: ClinVar variation 309628 (VCV000309628.7), dbSNP rs202186833, ClinGen allele CA6585961.